The following is an entry in ClinVar:

NM_206926.2(SELENON):c.1552G>A (p.Glu518Lys)

Gene: SELENON (selenoprotein N; plus strand). Cytogenetic location: 1p36.11.
Variant type: single nucleotide variant.
Coding change: c.1552G>A on transcript NM_206926.2 (MANE Select); coding-DNA position 1552, G replaced by A.
Protein change: p.Glu518Lys; replaces glutamic acid 518 with lysine.
Molecular consequence: missense variant.
Genome position (GRCh38, 1-based): chr1:25,815,599, G>A. VCF-style: chr1-25815599-G-A. GRCh37 (hg19) VCF-style: chr1-26142090-G-A.
Other names: c.1654G>A, p.Glu552Lys (NM_020451.3); short protein forms E552K, E518K.
Identifiers: ClinVar variation 95961 (VCV000095961.62), dbSNP rs200128474, ClinGen allele CA223586.

ClinVar aggregate classification (germline): Conflicting classifications of pathogenicity. Review status: criteria provided, conflicting classifications (1 of 4 stars). 12 submissions from 12 submitters: Uncertain significance (8); Benign (1); Likely benign (3). Last evaluated 2026-02-01.

Conditions:
SELENON-related disorder. Also called: SELENON-related condition.
SEPN1-related disorder. Also called: SEPN1-Related Disorders. Identifiers: MedGen CN239420.
Congenital myopathy with fiber type disproportion. Also called: Congenital fiber-type disproportion myopathy; Congenital fiber-type disproportion. Identifiers: Orphanet 2020, MedGen C0546264, MONDO:0009711. Inheritance: all.
Eichsfeld type congenital muscular dystrophy (CMYO3). Also called: MYOPATHY, SEPN1-RELATED; SELENON-related myopathy; Congenital myopathy 3 with rigid spine; Rigid spine muscular dystrophy 1. Identifiers: MedGen C0410180, MONDO:0100100, OMIM 602771.

Allele frequency attached by ClinVar (database versions not stated): gnomAD exomes 0.00038 and 0.00032; TOPMed 0.00042; 1000 Genomes Project 0.00040; ESP Exome Variant Server 0.00040; gnomAD 0.00036 and 0.00034; ExAC 0.00036; 1000 Genomes Project 30x 0.00047.
gnomAD v4.1: 555 of 1,614,184 alleles (0.034%); highest among the groups gnomAD compares: Middle Eastern, 1.1%; 4 homozygotes.

Submissions (12):

Labcorp Genetics (formerly Invitae), Labcorp
Classification: Benign for Eichsfeld type congenital muscular dystrophy. Last evaluated: 2026-02-01. Review status: criteria provided, single submitter. Criteria: Invitae Variant Classification Sherloc (09022015). Collection method: clinical testing. Allele origin: germline.

CeGaT Center for Human Genetics Tuebingen
Classification: Uncertain significance. Last evaluated: 2025-07-01. Review status: criteria provided, single submitter. Criteria: CeGaT Center For Human Genetics Tuebingen Variant Classification Criteria Version 2. Collection method: clinical testing. Allele origin: germline. Affected: yes. Observed: 4 variant alleles.

Mayo Clinic Laboratories, Mayo Clinic
Classification: Uncertain significance. Last evaluated: 2025-01-02. Review status: criteria provided, single submitter. Criteria: ACMG Guidelines, 2015. Collection method: clinical testing. Allele origin: germline. Observed: 2 variant alleles.
Comment: BS2, PP3

PreventionGenetics, part of Exact Sciences
Classification: Likely benign for SELENON-related condition. Last evaluated: 2024-12-12. Review status: criteria provided, single submitter. Criteria: ACMG Guidelines, 2015. Collection method: clinical testing. Allele origin: germline.
Comment: This variant is classified as likely benign based on ACMG/AMP sequence variant interpretation guidelines (Richards et al. 2015 PMID: 25741868, with internal and published modifications).

Blueprint Genetics
Classification: Uncertain significance. Last evaluated: 2024-11-26. Review status: criteria provided, single submitter. Criteria: ACMG Guidelines, 2015. Collection method: clinical testing. Allele origin: germline.

Women's Health and Genetics/Laboratory Corporation of America, LabCorp
Classification: Uncertain significance. Last evaluated: 2023-10-16. Review status: criteria provided, single submitter. Criteria: LabCorp Variant Classification Summary - May 2015. Collection method: clinical testing. Allele origin: germline.
Comment: Variant summary: SELENON c.1654G>A (p.Glu552Lys) results in a conservative amino acid change in the encoded protein sequence. Three of five in-silico tools predict a damaging effect of the variant on protein function. The variant allele was found at a frequency of 0.00038 in 249566 control chromosomes. This frequency is not significantly higher than estimated for a pathogenic variant in SELENON causing Eichsfeld Type Congenital Muscular Dystrophy (0.00038 vs 0.0011), allowing no conclusion about variant significance. To our knowledge, no occurrence of c.1654G>A in individuals affected with Eichsfeld Type Congenital Muscular Dystrophy and no experimental evidence demonstrating its impact on protein function have been reported. Seven submitters have cited clinical-significance assessments for this variant to ClinVar after 2014 and classified as VUS (n=2) and benign/likely benign (n=2). Based on the evidence outlined above, the variant was classified as uncertain significance.

Revvity Omics, Revvity
Classification: Likely benign for Eichsfeld type congenital muscular dystrophy. Last evaluated: 2022-05-23. Review status: criteria provided, single submitter. Criteria: ACMG Guidelines, 2015. Collection method: clinical testing. Allele origin: germline.

GeneDx
Classification: Likely benign. Last evaluated: 2021-04-02. Review status: criteria provided, single submitter. Criteria: GeneDx Variant Classification Process June 2021. Collection method: clinical testing. Allele origin: germline. Affected: yes.
Comment: This variant is associated with the following publications: (PMID: 20623375)

Athena Diagnostics
Classification: Uncertain significance. Last evaluated: 2019-12-30. Review status: criteria provided, single submitter. Criteria: Athena Diagnostics Criteria. Collection method: clinical testing. Allele origin: unknown.

Baylor Genetics
Classification: Uncertain significance for Congenital myopathy 4A, autosomal dominant. Last evaluated: 2019-12-13. Review status: criteria provided, single submitter. Criteria: ACMG Guidelines, 2015. Collection method: clinical testing. Allele origin: unknown. Affected: yes.
Comment: This variant was determined to be of uncertain significance according to ACMG Guidelines, 2015 [PMID:25741868].

Illumina Laboratory Services, Illumina
Classification: Uncertain significance for SEPN1-Related Disorders. Last evaluated: 2017-04-28. Review status: criteria provided, single submitter. Criteria: ICSL Variant Classification Criteria 13 December 2019. Collection method: clinical testing. Allele origin: germline.

Eurofins Ntd Llc (ga)
Classification: Uncertain significance. Last evaluated: 2013-06-18. Review status: criteria provided, single submitter. Criteria: EGL Classification Definitions 2015. Collection method: clinical testing. Allele origin: germline. Observed: 1 variant allele, 1 heterozygote.

Literature cited by the submitters: PubMed 20623375 (cited by Mayo Clinic Laboratories, Mayo Clinic and Athena Diagnostics).